The following is an entry in ClinVar:

NM_001953.5(TYMP):c.410G>T (p.Gly137Val)

Gene: TYMP (thymidine phosphorylase; minus strand). Cytogenetic location: 22q13.33.
Variant type: single nucleotide variant.
Coding change: c.410G>T on transcript NM_001953.5 (MANE Select); coding-DNA position 410, G replaced by T.
Protein change: p.Gly137Val; replaces glycine 137 with valine.
Molecular consequence: missense variant.
Genome position (GRCh38, 1-based): chr22:50,529,143, C>A on the plus strand (G>T on the coding strand, the complement: TYMP is on the minus strand). VCF-style: chr22-50529143-C-A. GRCh37 (hg19) VCF-style: chr22-50967572-C-A.
Other names: c.410G>T, p.Gly137Val (NM_001113755.3, NM_001113756.3, NM_001257988.1 and 1 more transcripts); short protein forms G137V.
Identifiers: ClinVar variation 3185244 (VCV003185244.3), dbSNP rs780690561, ClinGen allele CA412201916.

ClinVar aggregate classification (germline): Conflicting classifications of pathogenicity. Review status: criteria provided, conflicting classifications (1 of 4 stars). 2 submissions from 2 submitters: Likely pathogenic (1); Uncertain significance (1). Last evaluated 2025-10-06.

Conditions:
Inborn genetic diseases. Identifiers: MedGen C0950123, MeSH D030342.
Intestinal pseudo-obstruction. Also called: Hollow visceral myopathy. Identifiers: MedGen C0021847, MONDO:0002803, HP:0004389.

Submissions (2):

Clinical Genetics Laboratory, Skane University Hospital Lund
Classification: Likely pathogenic for Intestinal pseudo-obstruction. Last evaluated: 2025-10-06. Review status: criteria provided, single submitter. Criteria: ACMG Guidelines, 2015. Collection method: clinical testing. Allele origin: germline. Inheritance: Autosomal recessive inheritance. Affected: yes.
Comment: ACMG criteria used: PM1, PM2, PM5, PP3

Ambry Genetics
Classification: Uncertain significance for Inborn genetic diseases. Last evaluated: 2024-03-07. Review status: criteria provided, single submitter. Criteria: Ambry Variant Classification Scheme 2023. Collection method: clinical testing. Allele origin: germline.